The following is an entry in ClinVar:

ClinVar aggregate classification (germline): Uncertain significance (1 of 4 stars; one submission).

gnomAD v4.1: 4 of 1,536,786 alleles (0.00026%); highest among the groups gnomAD compares: Non-Finnish European, 0.000088%; no homozygotes.

Submission:

Women's Health and Genetics/Laboratory Corporation of America, LabCorp
Classification: Uncertain significance. Last evaluated: 2025-10-03. Review status: criteria provided, single submitter. Criteria: LabCorp Variant Classification Summary - May 2015. Collection method: clinical testing. Allele origin: germline.
Comment: Variant summary: BCL11B c.69C>G (p.Asp23Glu) results in a conservative amino acid change in the encoded protein sequence. Algorithms developed to predict the effect of missense changes on protein structure and function are either unavailable or do not agree on the potential impact of this missense change. The variant allele was found at a frequency of 5.1e-06 in 197854 control chromosomes. The available data on variant occurrences in the general population are insufficient to allow any conclusion about variant significance. To our knowledge, no occurrence of c.69C>G in individuals affected with BCL11B-related conditions and no experimental evidence demonstrating its impact on protein function have been reported. No submitters have cited clinical-significance assessments for this variant to ClinVar. Based on the evidence outlined above, the variant was classified as uncertain significance.

NM_138576.4(BCL11B):c.69C>G (p.Asp23Glu)

Gene: BCL11B (BCL11 transcription factor B; minus strand). Cytogenetic location: 14q32.2.
Variant type: single nucleotide variant.
Coding change: c.69C>G on transcript NM_138576.4 (MANE Select); coding-DNA position 69, C replaced by G.
Protein change: p.Asp23Glu; replaces aspartic acid 23 with glutamic acid.
Molecular consequence: missense variant.
Genome position (GRCh38, 1-based): chr14:99,257,829, G>C on the plus strand (C>G on the coding strand, the complement: BCL11B is on the minus strand). VCF-style: chr14-99257829-G-C. GRCh37 (hg19) VCF-style: chr14-99724166-G-C.
Other names: c.66C>G, p.Asp22Glu (NM_001282237.2, NM_001282238.2); c.69C>G, p.Asp23Glu (NM_022898.3); short protein forms D22E, D23E.
Identifiers: ClinVar variation 4687600 (VCV004687600.1).
Genomic context (GRCh38, chr14:99,257,829, plus strand): 5'-GCCACTTGGCTCCTCTATCTCCAGACCCTCGTCTTCTTCGAGGATGGCGGCCTCCACATG[G>C]TCAGCCTCTGCTGGAGACAGAAAGAAGAAAGGGAAGGGGCAGAGAAGATAGAGATGGGCT-3'
Protein context (NP_612808.1, residues 13-33): SQRELITPEA[Asp23Glu]HVEAAILEED